The following is an entry in ClinVar:

ClinVar aggregate classification (germline): Conflicting classifications of pathogenicity. Review status: criteria provided, conflicting classifications (1 of 4 stars). 2 submissions from 2 submitters: Uncertain significance (1); Likely benign (1). Last evaluated 2022-12-11.

Conditions:
Familial cancer of breast. Also called: BREAST CANCER, FAMILIAL; Hereditary breast cancer; hereditary breast carcinoma. Identifiers: Orphanet 227535, MedGen C0346153, MONDO:0016419, OMIM 114480. Disease mechanism: loss of function.
Hereditary cancer-predisposing syndrome. Also called: Neoplastic Syndromes, Hereditary; Tumor predisposition; Hereditary neoplastic syndrome; Hereditary Cancer Syndrome. Identifiers: Orphanet 140162, MedGen C0027672, MeSH D009386, MONDO:0015356.

Submissions (2):

Ambry Genetics
Classification: Likely benign for Hereditary cancer-predisposing syndrome. Last evaluated: 2022-12-11. Review status: criteria provided, single submitter. Criteria: Ambry Variant Classification Scheme 2023. Collection method: clinical testing. Allele origin: germline.

Labcorp Genetics (formerly Invitae), Labcorp
Classification: Uncertain significance for Familial cancer of breast. Last evaluated: 2022-12-06. Review status: criteria provided, single submitter. Criteria: Invitae Variant Classification Sherloc (09022015). Collection method: clinical testing. Allele origin: germline.
Comment: This variant is not present in population databases (gnomAD no frequency). This sequence change replaces threonine, which is neutral and polar, with alanine, which is neutral and non-polar, at codon 696 of the BARD1 protein (p.Thr696Ala). In summary, the available evidence is currently insufficient to determine the role of this variant in disease. Therefore, it has been classified as a Variant of Uncertain Significance. Algorithms developed to predict the effect of missense changes on protein structure and function output the following: SIFT: "Tolerated"; PolyPhen-2: "Benign"; Align-GVGD: "Class C0". The alanine amino acid residue is found in multiple mammalian species, which suggests that this missense change does not adversely affect protein function. This variant has not been reported in the literature in individuals affected with BARD1-related conditions.

NM_000465.4(BARD1):c.2086A>G (p.Thr696Ala)

Gene: BARD1 (BRCA1 associated RING domain 1; minus strand). Cytogenetic location: 2q35.
Variant type: single nucleotide variant.
Coding change: c.2086A>G on transcript NM_000465.4 (MANE Select); coding-DNA position 2086, A replaced by G.
Protein change: p.Thr696Ala; replaces threonine 696 with alanine.
Molecular consequence: missense variant. On other transcripts: non-coding transcript variant (3).
Genome position (GRCh38, 1-based): chr2:214,728,924, T>C on the plus strand (A>G on the coding strand, the complement: BARD1 is on the minus strand). VCF-style: chr2-214728924-T-C. GRCh37 (hg19) VCF-style: chr2-215593648-T-C.
Other names: c.2029A>G, p.Thr677Ala (NM_001282543.2); c.733A>G, p.Thr245Ala (NM_001282545.2); c.676A>G, p.Thr226Ala (NM_001282548.2); c.547A>G, p.Thr183Ala (NM_001282549.2); short protein forms T183A, T226A, T677A, T696A, T245A.
Identifiers: ClinVar variation 2450468 (VCV002450468.5), dbSNP rs2469270640, ClinGen allele CA350450648.